The following is an entry in ClinVar:

ClinVar aggregate classification (germline): Pathogenic (1 of 4 stars; one submission).

Submission:

Labcorp Genetics (formerly Invitae), Labcorp
Classification: Pathogenic. Last evaluated: 2023-02-24. Review status: criteria provided, single submitter. Criteria: Invitae Variant Classification Sherloc (09022015). Collection method: clinical testing. Allele origin: germline.
Comment: This variant is present in population databases (no rsID available, gnomAD 0.01%). For these reasons, this variant has been classified as Pathogenic. This variant has not been reported in the literature in individuals affected with RTTN-related conditions. This sequence change creates a premature translational stop signal (p.Ser1734*) in the RTTN gene. It is expected to result in an absent or disrupted protein product. Loss-of-function variants in RTTN are known to be pathogenic (PMID: 26608784, 26846091).

Literature cited by the submitters: PubMed 26608784; PubMed 26846091.

NM_173630.4(RTTN):c.5201C>G (p.Ser1734Ter)

Gene: RTTN (rotatin; minus strand). Cytogenetic location: 18q22.2.
Variant type: single nucleotide variant.
Coding change: c.5201C>G on transcript NM_173630.4 (MANE Select); coding-DNA position 5201, C replaced by G.
Protein change: p.Ser1734Ter; replaces serine 1734 with a stop codon.
Molecular consequence: nonsense.
Genome position (GRCh38, 1-based): chr18:70,051,533, G>C on the plus strand (C>G on the coding strand, the complement: RTTN is on the minus strand). VCF-style: chr18-70051533-G-C. GRCh37 (hg19) VCF-style: chr18-67718769-G-C.
Other names: c.2465C>G, p.Ser822Ter (NM_001318520.2); short protein forms S822*, S1734*.
Identifiers: ClinVar variation 3004752 (VCV003004752.3), dbSNP rs991404661, ClinGen allele CA301940598.